The following is an entry in ClinVar:

ClinVar aggregate classification (germline): Uncertain significance. Review status: criteria provided, multiple submitters, no conflicts (2 of 4 stars). 2 submissions from 2 submitters: Uncertain significance (2). Last evaluated 2023-08-24.

Conditions:
Inborn genetic diseases. Identifiers: MedGen C0950123, MeSH D030342.

Allele frequency attached by ClinVar (database versions not stated): ESP Exome Variant Server 0.00008; gnomAD 0.00009; TOPMed 0.00009; gnomAD exomes 0.00010; ExAC 0.00015; 1000 Genomes Project 30x 0.00016; 1000 Genomes Project 0.00020.
gnomAD v4.1: 161 of 1,614,066 alleles (0.01%); highest among the groups gnomAD compares: Non-Finnish European, 0.013%; no homozygotes.

Submissions (2):

Labcorp Genetics (formerly Invitae), Labcorp
Classification: Uncertain significance. Last evaluated: 2023-08-24. Review status: criteria provided, single submitter. Criteria: Invitae Variant Classification Sherloc (09022015). Collection method: clinical testing. Allele origin: germline.
Comment: This sequence change replaces valine, which is neutral and non-polar, with isoleucine, which is neutral and non-polar, at codon 269 of the ARMC9 protein (p.Val269Ile). This variant is present in population databases (rs140828136, gnomAD 0.02%). This variant has not been reported in the literature in individuals affected with ARMC9-related conditions. ClinVar contains an entry for this variant (Variation ID: 1011436). Experimental studies and prediction algorithms are not available or were not evaluated, and the functional significance of this variant is currently unknown. In summary, the available evidence is currently insufficient to determine the role of this variant in disease. Therefore, it has been classified as a Variant of Uncertain Significance.

Ambry Genetics
Classification: Uncertain significance for Inborn genetic diseases. Last evaluated: 2021-07-13. Review status: criteria provided, single submitter. Criteria: Ambry Variant Classification Scheme 2023. Collection method: clinical testing. Allele origin: germline.

NM_001352754.2(ARMC9):c.805G>A (p.Val269Ile)

Gene: ARMC9 (armadillo repeat containing 9; plus strand). Cytogenetic location: 2q37.1.
Variant type: single nucleotide variant.
Coding change: c.805G>A on transcript NM_001352754.2 (MANE Select); coding-DNA position 805, G replaced by A.
Protein change: p.Val269Ile; replaces valine 269 with isoleucine.
Molecular consequence: missense variant. On other transcripts: non-coding transcript variant (1), intron variant (2).
Genome position (GRCh38, 1-based): chr2:231,239,967, G>A. VCF-style: chr2-231239967-G-A. GRCh37 (hg19) VCF-style: chr2-232104680-G-A.
Other names: c.805G>A, p.Val269Ile (NM_001271466.4, NM_001291656.2, NM_001352755.2 and 3 more transcripts); c.780+4586G>A (NM_001352757.2, NM_001352758.2); c.805G>A (NM_025139.3); short protein forms V269I.
Identifiers: ClinVar variation 1011436 (VCV001011436.6), dbSNP rs140828136, ClinGen allele CA2160054.